The following is an entry in ClinVar:

NM_173628.4(DNAH17):c.2784C>T (p.Ile928=)

Gene: DNAH17 (dynein axonemal heavy chain 17; minus strand). Cytogenetic location: 17q25.3.
Variant type: single nucleotide variant.
Coding change: c.2784C>T on transcript NM_173628.4 (MANE Select); coding-DNA position 2784, C replaced by T.
Protein change: p.Ile928=; no amino-acid change (isoleucine 928 retained).
Molecular consequence: synonymous variant.
Genome position (GRCh38, 1-based): chr17:78,537,374, G>A on the plus strand (C>T on the coding strand, the complement: DNAH17 is on the minus strand). VCF-style: chr17-78537374-G-A. GRCh37 (hg19) VCF-style: chr17-76533456-G-A.
Identifiers: ClinVar variation 3056423 (VCV003056423.2), dbSNP rs61741432, ClinGen allele CA8804491.

ClinVar aggregate classification (germline): Benign (0 of 4 stars; one submission).

Conditions:
DNAH17-related disorder. Also called: DNAH17-related condition.

Allele frequency attached by ClinVar (database versions not stated): 1000 Genomes Project 0.01637; 1000 Genomes Project 30x 0.01718; ESP Exome Variant Server 0.02191.
gnomAD v4.1: 27,347 of 1,611,948 alleles (1.7%); highest among the groups gnomAD compares: African/African-American, 3.1%; 321 homozygotes.

Submission:

PreventionGenetics, part of Exact Sciences
Classification: Benign for DNAH17-related condition. Last evaluated: 2019-02-19. Review status: no assertion criteria provided. Collection method: clinical testing. Allele origin: germline.
Comment: This variant is classified as benign based on ACMG/AMP sequence variant interpretation guidelines (Richards et al. 2015 PMID: 25741868, with internal and published modifications).